The following is an entry in ClinVar:

ClinVar aggregate classification (germline): Uncertain significance (1 of 4 stars; one submission).

gnomAD v4.1: 1 of 1,613,924 alleles (0.000062%); highest among the groups gnomAD compares: Non-Finnish European, 0.000085%; no homozygotes.

Submission:

GeneDx
Classification: Uncertain significance. Last evaluated: 2024-04-19. Review status: criteria provided, single submitter. Criteria: GeneDx Variant Classification Process June 2021. Collection method: clinical testing. Allele origin: germline. Affected: yes.
Comment: Not observed at significant frequency in large population cohorts (gnomAD); In silico analysis indicates that this missense variant does not alter protein structure/function; Has not been previously published as pathogenic or benign to our knowledge

NM_001378328.1(CELSR1):c.5446C>A (p.Leu1816Met)

Gene: CELSR1 (cadherin EGF LAG seven-pass G-type receptor 1; minus strand). Cytogenetic location: 22q13.31.
Variant type: single nucleotide variant.
Coding change: c.5446C>A on transcript NM_001378328.1 (MANE Select); coding-DNA position 5446, C replaced by A.
Protein change: p.Leu1816Met; replaces leucine 1816 with methionine.
Molecular consequence: missense variant.
Genome position (GRCh38, 1-based): chr22:46,398,604, G>T on the plus strand (C>A on the coding strand, the complement: CELSR1 is on the minus strand). VCF-style: chr22-46398604-G-T. GRCh37 (hg19) VCF-style: chr22-46794501-G-T.
Other names: c.5446C>A, p.Leu1816Met (NM_014246.4); short protein forms L1816M.
Identifiers: ClinVar variation 3365248 (VCV003365248.1).